The following is an entry in ClinVar:

NM_002457.5(MUC2):c.13581C>T (p.Tyr4527=)

Gene: MUC2 (mucin 2, oligomeric mucus/gel-forming; plus strand). Cytogenetic location: 11p15.5.
Variant type: single nucleotide variant.
Coding change: c.13581C>T on transcript NM_002457.5 (MANE Select); coding-DNA position 13581, C replaced by T.
Protein change: p.Tyr4527=; no amino-acid change (tyrosine 4527 retained).
Molecular consequence: synonymous variant.
Genome position (GRCh38, 1-based): chr11:1,103,318, C>T. VCF-style: chr11-1103318-C-T. GRCh37 (hg19) VCF-style: chr11-1097226-C-T.
Identifiers: ClinVar variation 2672433 (VCV002672433.23), dbSNP rs183781914, ClinGen allele CA5800879.
Genomic context (GRCh38, chr11:1,103,318, plus strand): 5'-GGTGTGTCGGCCACAGGTGCAGGTGAACAGGCAGGCGGTGGCACTGCCCTACAAGAAGTA[C>T]GGGCTGGAGGTGTACCAGTCTGGCATCAACTACGTGGTGGACATCCCCGAGCTGGGTGTC-3'
Protein context (NP_002448.5, residues 4517-4537): RQAVALPYKK[Tyr4527=]GLEVYQSGIN

ClinVar aggregate classification (germline): Likely benign (1 of 4 stars; one submission).

Allele frequency attached by ClinVar (database versions not stated): 1000 Genomes Project 0.00040; gnomAD exomes 0.00121; 1000 Genomes Project 30x 0.00125; ExAC 0.00148; TOPMed 0.00168; gnomAD 0.00179; ESP Exome Variant Server 0.00186.

Submission:

CeGaT Center for Human Genetics Tuebingen
Classification: Likely benign. Last evaluated: 2023-11-01. Review status: criteria provided, single submitter. Criteria: CeGaT Center For Human Genetics Tuebingen Variant Classification Criteria Version 2. Collection method: clinical testing. Allele origin: germline. Affected: yes. Observed: 1 variant allele.
Comment: MUC2: BP4, BP7